The following is an entry in ClinVar:

ClinVar aggregate classification (germline): Benign. Review status: criteria provided, multiple submitters, no conflicts (2 of 4 stars). 3 submissions from 3 submitters: Benign (3). Last evaluated 2026-08-01.

Allele frequency attached by ClinVar (database versions not stated): 1000 Genomes Project 0.00459; 1000 Genomes Project 30x 0.00531; TOPMed 0.00763; ESP Exome Variant Server 0.00780; gnomAD 0.00785 and 0.00819; gnomAD exomes 0.00824; ExAC 0.00849.
gnomAD v4.1: 16,630 of 1,613,904 alleles (1%); highest among the groups gnomAD compares: Non-Finnish European, 1.2%; 119 homozygotes.

Submissions (3):

CeGaT Center for Human Genetics Tuebingen
Classification: Benign. Last evaluated: 2026-08-01. Review status: criteria provided, single submitter. Criteria: CeGaT Center For Human Genetics Tuebingen Variant Classification Criteria Version 2. Collection method: clinical testing. Allele origin: germline. Affected: yes. Observed: 19 variant alleles.
Comment: DSCAM: BP4, BP7, BS1, BS2

Labcorp Genetics (formerly Invitae), Labcorp
Classification: Benign. Last evaluated: 2019-12-31. Review status: criteria provided, single submitter. Criteria: Invitae Variant Classification Sherloc (09022015). Collection method: clinical testing. Allele origin: germline.

Breakthrough Genomics
Classification: Benign. Review status: criteria provided, single submitter. Criteria: ACMG Guidelines, 2015. Collection method: not provided. Allele origin: germline. Inheritance: Unknown mechanism. Affected: yes.

NM_001389.5(DSCAM):c.459G>A (p.Ala153=)

Gene: DSCAM (DS cell adhesion molecule; minus strand). Cytogenetic location: 21q22.2.
Variant type: single nucleotide variant.
Coding change: c.459G>A on transcript NM_001389.5 (MANE Select); coding-DNA position 459, G replaced by A.
Protein change: p.Ala153=; no amino-acid change (alanine 153 retained).
Molecular consequence: synonymous variant. On other transcripts: non-coding transcript variant (1).
Genome position (GRCh38, 1-based): chr21:40,692,859, C>T on the plus strand (G>A on the coding strand, the complement: DSCAM is on the minus strand). VCF-style: chr21-40692859-C-T. GRCh37 (hg19) VCF-style: chr21-42064785-C-T.
Other names: c.459G>A, p.Ala153= (NM_001271534.3).
Identifiers: ClinVar variation 778181 (VCV000778181.29), dbSNP rs79669041, ClinGen allele CA10031751.